The following is an entry in ClinVar:

ClinVar aggregate classification (germline): Likely pathogenic. Review status: criteria provided, single submitter (1 of 4 stars). 2 submissions from 2 submitters: Likely pathogenic (1). 1 of the submissions does not count toward it. Last evaluated 2025-12-23.

Conditions:
Immunodeficiency 23 (IMD23). Also called: IMMUNODEFICIENCY WITH HYPER IgE AND COGNITIVE IMPAIRMENT; IMMUNODEFICIENCY-VASCULITIS-MYOCLONUS SYNDROME. Identifiers: Orphanet 443811, MedGen C4014371, MONDO:0014353, OMIM 615816.

Submissions (2):

Women's Health and Genetics/Laboratory Corporation of America, LabCorp
Classification: Likely pathogenic for Immunodeficiency 23. Last evaluated: 2025-12-23. Review status: criteria provided, single submitter. Criteria: LabCorp Variant Classification Summary - May 2015. Collection method: clinical testing. Allele origin: germline.
Comment: Variant summary: PGM3 c.1585G>C (p.Glu529Gln) results in a conservative amino acid change in the encoded protein sequence. Algorithms developed to predict the effect of missense changes on protein structure and function are either unavailable or do not agree on the potential impact of this missense change. The variant was absent in 251402 control chromosomes (gnomAD). c.1585G>C has been observed in individuals affected with Immunodeficiency 23, cosegregating with disease in trans with a pathogenic variant (Zhang_2014). These data indicate that the variant is likely to be associated with disease. At least one publication reports experimental evidence evaluating an impact on protein function. The most pronounced variant effect results in 10%-<30% of normal PGM3 expression (Yang_2024). The following publications have been ascertained in the context of this evaluation (PMID: 24589341, 39776909). ClinVar contains an entry for this variant (Variation ID: 133316). Based on the evidence outlined above, the variant was classified as likely pathogenic.

OMIM
Classification: Pathogenic for IMMUNODEFICIENCY 23. Last evaluated: 2014-05-01. Review status: no assertion criteria provided. Collection method: literature only. Allele origin: germline. Not counted in ClinVar's aggregate classification.

Literature cited by the submitters: PubMed 39776909 (cited by Women's Health and Genetics/Laboratory Corporation of America, LabCorp); PubMed 24589341 (cited by Women's Health and Genetics/Laboratory Corporation of America, LabCorp and OMIM); PubMed 14981714 (cited by OMIM).

NM_015599.3(PGM3):c.1501G>C (p.Glu501Gln)

Genes: DOP1A (DOP1 leucine zipper like protein A; plus strand), PGM3 (phosphoglucomutase 3; minus strand). Cytogenetic location: 6q14.1.
Variant type: single nucleotide variant.
Coding change: c.1501G>C on transcript NM_015599.3 (MANE Select); coding-DNA position 1501, G replaced by C.
Protein change: p.Glu501Gln; replaces glutamic acid 501 with glutamine.
Molecular consequence: missense variant. On other transcripts: non-coding transcript variant (1).
Genome position (GRCh38, 1-based): chr6:83,170,343, C>G on the plus strand (G>C on the coding strand, the complement: PGM3 is on the minus strand). VCF-style: chr6-83170343-C-G. GRCh37 (hg19) VCF-style: chr6-83880062-C-G.
Other names: c.1585G>C, p.Glu529Gln (NM_001199917.2, NM_001367287.1); c.1258G>C, p.Glu420Gln (NM_001199918.2); c.1501G>C, p.Glu501Gln (NM_001199919.2); c.1378G>C, p.Glu460Gln (NM_001367286.1); short protein forms E529Q, E501Q, E460Q, E420Q.
Identifiers: ClinVar variation 133316 (VCV000133316.3), dbSNP rs587777413, ClinGen allele CA156410.